The following is an entry in ClinVar:

NM_031308.4(EPPK1):c.5131G>A (p.Asp1711Asn)

Gene: EPPK1 (epiplakin 1; minus strand). Cytogenetic location: 8q24.3.
Variant type: single nucleotide variant.
Coding change: c.5131G>A on transcript NM_031308.4 (MANE Select); coding-DNA position 5131, G replaced by A.
Protein change: p.Asp1711Asn; replaces aspartic acid 1711 with asparagine.
Molecular consequence: missense variant.
Genome position (GRCh38, 1-based): chr8:143,868,123, C>T on the plus strand (G>A on the coding strand, the complement: EPPK1 is on the minus strand). VCF-style: chr8-143868123-C-T. GRCh37 (hg19) VCF-style: chr8-144942291-C-T.
Other names: short protein forms D1711N.
Identifiers: ClinVar variation 3035637 (VCV003035637.2), dbSNP rs113397845, ClinGen allele CA4922246.

ClinVar aggregate classification (germline): Benign (0 of 4 stars; one submission).

Conditions:
EPPK1-related disorder. Also called: EPPK1-related condition.

Allele frequency attached by ClinVar (database versions not stated): 1000 Genomes Project 0.00679; 1000 Genomes Project 30x 0.00718; ESP Exome Variant Server 0.01529.
gnomAD v4.1: 27,738 of 1,613,254 alleles (1.7%); highest among the groups gnomAD compares: Middle Eastern, 3.3%; 302 homozygotes.

Submission:

PreventionGenetics, part of Exact Sciences
Classification: Benign for EPPK1-related condition. Last evaluated: 2021-04-21. Review status: no assertion criteria provided. Collection method: clinical testing. Allele origin: germline.
Comment: This variant is classified as benign based on ACMG/AMP sequence variant interpretation guidelines (Richards et al. 2015 PMID: 25741868, with internal and published modifications).